The following is an entry in ClinVar:

ClinVar aggregate classification (germline): Uncertain significance (1 of 4 stars; one submission).

Conditions:
Charcot-Marie-Tooth disease axonal type 2O. Also called: Charcot-Marie-Tooth disease, axonal, type 20; CHARCOT-MARIE-TOOTH NEUROPATHY, AXONAL, TYPE 2O; CHARCOT-MARIE-TOOTH DISEASE, AXONAL, AUTOSOMAL DOMINANT, TYPE 2O; Charcot-Marie-Tooth Neuropathy Type 2O. Identifiers: Orphanet 284232, MedGen C3280220, MONDO:0013644, OMIM 614228.

Submission:

Labcorp Genetics (formerly Invitae), Labcorp
Classification: Uncertain significance for Charcot-Marie-Tooth disease axonal type 2O. Last evaluated: 2021-11-25. Review status: criteria provided, single submitter. Criteria: Invitae Variant Classification Sherloc (09022015). Collection method: clinical testing. Allele origin: germline.
Comment: Advanced modeling of protein sequence and biophysical properties (such as structural, functional, and spatial information, amino acid conservation, physicochemical variation, residue mobility, and thermodynamic stability) performed at Invitae indicates that this missense variant is not expected to disrupt DYNC1H1 protein function. In summary, the available evidence is currently insufficient to determine the role of this variant in disease. Therefore, it has been classified as a Variant of Uncertain Significance. This variant has not been reported in the literature in individuals affected with DYNC1H1-related conditions. This variant is not present in population databases (gnomAD no frequency). This sequence change replaces serine, which is neutral and polar, with phenylalanine, which is neutral and non-polar, at codon 2501 of the DYNC1H1 protein (p.Ser2501Phe).

NM_001376.5(DYNC1H1):c.7502C>T (p.Ser2501Phe)

Gene: DYNC1H1 (dynein cytoplasmic 1 heavy chain 1; plus strand). Cytogenetic location: 14q32.31.
Variant type: single nucleotide variant.
Coding change: c.7502C>T on transcript NM_001376.5 (MANE Select); coding-DNA position 7502, C replaced by T.
Protein change: p.Ser2501Phe; replaces serine 2501 with phenylalanine.
Molecular consequence: missense variant.
Genome position (GRCh38, 1-based): chr14:102,016,377, C>T. VCF-style: chr14-102016377-C-T. GRCh37 (hg19) VCF-style: chr14-102482714-C-T.
Other names: short protein forms S2501F.
Identifiers: ClinVar variation 1483865 (VCV001483865.6), dbSNP rs2152582351, ClinGen allele CA391002283.
Genomic context (GRCh38, chr14:102,016,377, plus strand): 5'-TAAAAATCAAAGTTTAATTCCCTTTTTAATAGCGATATCTGGTTTATGCCATACTCTGGT[C>T]CCTGTCTGGAGACAGCCGGCTAAAAATGAGAGCAGAGCTGGGTGAATACATCAGAAGAAT-3'
Protein context (NP_001367.2, residues 2491-2511): QRYLVYAILW[Ser2501Phe]LSGDSRLKMR